The following is an entry in ClinVar:

ClinVar aggregate classification (germline): Uncertain significance. Review status: criteria provided, multiple submitters, no conflicts (2 of 4 stars). 3 submissions from 3 submitters: Uncertain significance (3). Last evaluated 2026-02-04.

Conditions:
Renal cell carcinoma. Identifiers: Orphanet 217071, MedGen C0007134, MeSH D002292, MONDO:0005086, HP:0005584.
Hereditary cancer-predisposing syndrome. Also called: Hereditary neoplastic syndrome; Neoplastic Syndromes, Hereditary; Tumor predisposition; Hereditary Cancer Syndrome. Identifiers: Orphanet 140162, MedGen C0027672, MeSH D009386, MONDO:0015356.

Allele frequency attached by ClinVar (database versions not stated): gnomAD exomes below 0.00001; gnomAD 0.00001; TOPMed 0.00002.
gnomAD v4.1: 5 of 1,613,874 alleles (0.00031%); highest among the groups gnomAD compares: Admixed American, 0.0017%; no homozygotes.

Submissions (3):

Labcorp Genetics (formerly Invitae), Labcorp
Classification: Uncertain significance for Renal cell carcinoma. Last evaluated: 2026-02-04. Review status: criteria provided, single submitter. Criteria: Invitae Variant Classification Sherloc (09022015). Collection method: clinical testing. Allele origin: germline.
Comment: This sequence change replaces threonine, which is neutral and polar, with asparagine, which is neutral and polar, at codon 200 of the MET protein (p.Thr200Asn). This variant is not present in population databases (gnomAD no frequency). This variant has not been reported in the literature in individuals affected with MET-related conditions. ClinVar contains an entry for this variant (Variation ID: 186144). Invitae Evidence Modeling of protein sequence and biophysical properties (such as structural, functional, and spatial information, amino acid conservation, physicochemical variation, residue mobility, and thermodynamic stability) indicates that this missense variant is expected to disrupt MET protein function with a positive predictive value of 80%. Algorithms developed to predict the effect of sequence changes on RNA splicing suggest that this variant may create or strengthen a splice site. In summary, the available evidence is currently insufficient to determine the role of this variant in disease. Therefore, it has been classified as a Variant of Uncertain Significance.

Ambry Genetics
Classification: Uncertain significance for Hereditary cancer-predisposing syndrome. Last evaluated: 2024-03-29. Review status: criteria provided, single submitter. Criteria: Ambry Variant Classification Scheme 2023. Collection method: clinical testing. Allele origin: germline.
Comment: The p.T200N variant (also known as c.599C>A), located in coding exon 1 of the MET gene, results from a C to A substitution at nucleotide position 599. The threonine at codon 200 is replaced by asparagine, an amino acid with similar properties. This amino acid position is highly conserved in available vertebrate species. In addition, this alteration is predicted to be tolerated by in silico analysis. Since supporting evidence is limited at this time, the clinical significance of this alteration remains unclear.

GeneDx
Classification: Uncertain significance. Last evaluated: 2023-02-01. Review status: criteria provided, single submitter. Criteria: GeneDx Variant Classification Process June 2021. Collection method: clinical testing. Allele origin: germline. Affected: yes.
Comment: Not observed at significant frequency in large population cohorts (gnomAD); In silico analysis supports that this missense variant does not alter protein structure/function; Has not been previously published as pathogenic or benign to our knowledge

NM_000245.4(MET):c.599C>A (p.Thr200Asn)

Gene: MET (MET proto-oncogene, receptor tyrosine kinase; plus strand). Cytogenetic location: 7q31.2.
Variant type: single nucleotide variant.
Coding change: c.599C>A on transcript NM_000245.4 (MANE Select); coding-DNA position 599, C replaced by A.
Protein change: p.Thr200Asn; replaces threonine 200 with asparagine.
Molecular consequence: missense variant. On other transcripts: intron variant (1).
Genome position (GRCh38, 1-based): chr7:116,699,683, C>A. VCF-style: chr7-116699683-C-A. GRCh37 (hg19) VCF-style: chr7-116339737-C-A.
Other names: c.599C>A, p.Thr200Asn (NM_001127500.3, NM_001324401.3); c.-91+27106C>A (NM_001324402.2); short protein forms T200N.
Identifiers: ClinVar variation 186144 (VCV000186144.17), dbSNP rs786202727, ClinGen allele CA193979.